The following is an entry in ClinVar:

NM_198576.4(AGRN):c.4228C>T (p.Leu1410=)

Gene: AGRN (agrin; plus strand). Cytogenetic location: 1p36.33.
Variant type: single nucleotide variant.
Coding change: c.4228C>T on transcript NM_198576.4 (MANE Select); coding-DNA position 4228, C replaced by T.
Protein change: p.Leu1410=; no amino-acid change (leucine 1410 retained).
Molecular consequence: synonymous variant.
Genome position (GRCh38, 1-based): chr1:1,048,989, C>T. VCF-style: chr1-1048989-C-T. GRCh37 (hg19) VCF-style: chr1-984369-C-T.
Other names: c.4228C>T, p.Leu1410= (NM_001305275.2); c.3913C>T, p.Leu1305= (NM_001364727.2).
Identifiers: ClinVar variation 706265 (VCV000706265.14), dbSNP rs544008933, ClinGen allele CA509360.

ClinVar aggregate classification (germline): Likely benign. Review status: criteria provided, multiple submitters, no conflicts (2 of 4 stars). 3 submissions from 3 submitters: Likely benign (2). 1 of the submissions does not count toward it. Last evaluated 2025-08-03.

Conditions:
AGRN-related disorder. Also called: AGRN-related condition.
Congenital myasthenic syndrome 8. Also called: MYASTHENIC SYNDROME, CONGENITAL, DUE TO AGRIN DEFICIENCY; Myasthenic syndrome, congenital, 8, with pre- and postsynaptic defects. Identifiers: Orphanet 590, MedGen C3808739, MONDO:0014052, OMIM 615120.

Allele frequency attached by ClinVar (database versions not stated): gnomAD exomes 0.00003 and 0.00009; ExAC 0.00011; TOPMed 0.00028; 1000 Genomes Project 30x 0.00047; 1000 Genomes Project 0.00060.

Submissions (3):

Labcorp Genetics (formerly Invitae), Labcorp
Classification: Likely benign for Congenital myasthenic syndrome 8. Last evaluated: 2025-08-03. Review status: criteria provided, single submitter. Criteria: Invitae Variant Classification Sherloc (09022015). Collection method: clinical testing. Allele origin: germline.

Blueprint Genetics
Classification: Likely benign. Last evaluated: 2024-10-18. Review status: criteria provided, single submitter. Criteria: ACMG Guidelines, 2015. Collection method: clinical testing. Allele origin: germline.

PreventionGenetics, part of Exact Sciences
Classification: Likely benign for AGRN-related condition. Last evaluated: 2019-05-24. Review status: no assertion criteria provided. Collection method: clinical testing. Allele origin: germline. Not counted in ClinVar's aggregate classification.
Comment: This variant is classified as likely benign based on ACMG/AMP sequence variant interpretation guidelines (Richards et al. 2015 PMID: 25741868, with internal and published modifications).